The following is an entry in ClinVar:

ClinVar aggregate classification (germline): Uncertain significance (1 of 4 stars; one submission).

Conditions:
OCIAD1-related condition.

Submission:

PreventionGenetics, part of Exact Sciences
Classification: Uncertain significance for OCIAD1-related condition. Last evaluated: 2026-06-18. Review status: criteria provided, single submitter. Criteria: ACMG Guidelines, 2015. Collection method: clinical testing. Allele origin: germline.
Comment: The OCIAD1 c.110G>A variant is predicted to result in the amino acid substitution p.Arg37Lys. To our knowledge, this variant has not been reported in the literature or in a large population database (gnomAD), indicating this variant is rare. At this time, the clinical significance of this variant is uncertain due to the absence of conclusive functional and genetic evidence.

NM_017830.4(OCIAD1):c.95G>A (p.Arg32Lys)

Gene: OCIAD1 (OCIA domain containing 1; plus strand). Cytogenetic location: 4p11.
Variant type: single nucleotide variant.
Coding change: c.95G>A on transcript NM_017830.4 (MANE Select); coding-DNA position 95, G replaced by A.
Protein change: p.Arg32Lys; replaces arginine 32 with lysine.
Molecular consequence: missense variant.
Genome position (GRCh38, 1-based): chr4:48,833,437, G>A. VCF-style: chr4-48833437-G-A. GRCh37 (hg19) VCF-style: chr4-48835454-G-A.
Other names: c.95G>A, p.Arg32Lys (NM_001079839.3, NM_001079840.3, NM_001079841.3 and 1 more transcripts); c.110G>A, p.Arg37Lys (NM_001168254.2); short protein forms R37K, R32K.
Identifiers: ClinVar variation 4981674 (VCV004981674.1).
Genomic context (GRCh38, chr4:48,833,437, plus strand): 5'-TTTCTGATTTTCCCTGGTAAAAAGACATAGGGCCTGATTACATTCCAACAGAGGAAGAAA[G>A]GAGAGTCTTCGCAGAATGCAATGATGAAAGCTTCTGGTTCAGATGTGAGTTCAATTTTCT-3'
Protein context (NP_060300.1, residues 22-42): GPDYIPTEEE[Arg32Lys]RVFAECNDES